The following is an entry in ClinVar:

ClinVar aggregate classification (germline): Uncertain significance. Review status: criteria provided, multiple submitters, no conflicts (2 of 4 stars). 2 submissions from 2 submitters: Uncertain significance (2). Last evaluated 2022-04-29.

Conditions:
Inborn genetic diseases. Identifiers: MedGen C0950123, MeSH D030342.

Allele frequency attached by ClinVar (database versions not stated): gnomAD 0.00009; ESP Exome Variant Server 0.00023; ExAC 0.00005; TOPMed 0.00013.
gnomAD v4.1: 39 of 1,613,980 alleles (0.0024%); highest among the groups gnomAD compares: African/African-American, 0.036%; no homozygotes.

Submissions (2):

Labcorp Genetics (formerly Invitae), Labcorp
Classification: Uncertain significance. Last evaluated: 2022-04-29. Review status: criteria provided, single submitter. Criteria: Invitae Variant Classification Sherloc (09022015). Collection method: clinical testing. Allele origin: germline.
Comment: In summary, the available evidence is currently insufficient to determine the role of this variant in disease. Therefore, it has been classified as a Variant of Uncertain Significance. Variants that disrupt the consensus splice site are a relatively common cause of aberrant splicing (PMID: 17576681, 9536098). Algorithms developed to predict the effect of sequence changes on RNA splicing suggest that this variant is not likely to affect RNA splicing. This variant has not been reported in the literature in individuals affected with SLC18A2-related conditions. This variant is present in population databases (rs374136577, gnomAD 0.03%). This sequence change falls in intron 8 of the SLC18A2 gene. It does not directly change the encoded amino acid sequence of the SLC18A2 protein. It affects a nucleotide within the consensus splice site.

Ambry Genetics
Classification: Uncertain significance for Inborn genetic diseases. Last evaluated: 2021-11-08. Review status: criteria provided, single submitter. Criteria: Ambry Variant Classification Scheme 2023. Collection method: clinical testing. Allele origin: germline.
Comment: The c.834+6C>T intronic alteration consists of a C to T substitution nucleotides after coding exon 7 in the SLC18A2 gene. Based on insufficient or conflicting evidence, the clinical significance of this alteration remains unclear.

Literature cited by the submitters: PubMed 17576681 (cited by Labcorp Genetics (formerly Invitae), Labcorp); PubMed 9536098 (cited by Labcorp Genetics (formerly Invitae), Labcorp).

NM_003054.6(SLC18A2):c.834+6C>T

Gene: SLC18A2 (solute carrier family 18 member A2; plus strand). Cytogenetic location: 10q25.3.
Variant type: single nucleotide variant.
Coding change: c.834+6C>T on transcript NM_003054.6 (MANE Select); 6 bases into the intron after coding-DNA position 834, C replaced by T.
Molecular consequence: intron variant.
Genome position (GRCh38, 1-based): chr10:117,255,528, C>T. VCF-style: chr10-117255528-C-T. GRCh37 (hg19) VCF-style: chr10-119015039-C-T.
Identifiers: ClinVar variation 2058355 (VCV002058355.5), dbSNP rs374136577, ClinGen allele CA5710452.